The following is an entry in ClinVar:

NM_001358921.2(COQ2):c.894A>G (p.Gly298=)

Gene: COQ2 (coenzyme Q2, polyprenyltransferase; minus strand). Cytogenetic location: 4q21.23.
Variant type: single nucleotide variant.
Coding change: c.894A>G on transcript NM_001358921.2 (MANE Select); coding-DNA position 894, A replaced by G.
Protein change: p.Gly298=; no amino-acid change (glycine 298 retained).
Molecular consequence: synonymous variant.
Genome position (GRCh38, 1-based): chr4:83,267,643, T>C on the plus strand (A>G on the coding strand, the complement: COQ2 is on the minus strand). VCF-style: chr4-83267643-T-C. GRCh37 (hg19) VCF-style: chr4-84188796-T-C.
Other names: c.1044A>G, p.Gly348= (NM_015697.9).
Identifiers: ClinVar variation 3057438 (VCV003057438.2), dbSNP rs1227658361, ClinGen allele CA440102236.

ClinVar aggregate classification (germline): Likely benign (0 of 4 stars; one submission).

Conditions:
COQ2-related disorder. Also called: COQ2-related condition.

Allele frequency attached by ClinVar (database versions not stated): gnomAD exomes below 0.00001.
gnomAD v4.1: 1 of 1,582,240 alleles (0.000063%); highest among the groups gnomAD compares: Non-Finnish European, 0.000086%; no homozygotes.

Submission:

PreventionGenetics, part of Exact Sciences
Classification: Likely benign for COQ2-related condition. Last evaluated: 2019-03-29. Review status: no assertion criteria provided. Collection method: clinical testing. Allele origin: germline.
Comment: This variant is classified as likely benign based on ACMG/AMP sequence variant interpretation guidelines (Richards et al. 2015 PMID: 25741868, with internal and published modifications).